The following is an entry in ClinVar:

ClinVar aggregate classification (germline): Pathogenic (1 of 4 stars; one submission).

Conditions:
Peroxisome biogenesis disorder 7A (Zellweger). Also called: Peroxisome biogenesis disorder 7A. Identifiers: Orphanet 912, MedGen C3888385, MONDO:0013938, OMIM 614872.
Peroxisome biogenesis disorder 7B (PBD7B). Identifiers: Orphanet 44, MedGen C3553951, MONDO:0013939, OMIM 614873.

Submission:

Labcorp Genetics (formerly Invitae), Labcorp
Classification: Pathogenic for Peroxisome biogenesis disorder 7A (Zellweger); Peroxisome biogenesis disorder 7B. Last evaluated: 2022-05-12. Review status: criteria provided, single submitter. Criteria: Invitae Variant Classification Sherloc (09022015). Collection method: clinical testing. Allele origin: germline.
Comment: This sequence change creates a premature translational stop signal (p.Lys253*) in the PEX26 gene. It is expected to result in an absent or disrupted protein product. Loss-of-function variants in PEX26 are known to be pathogenic (PMID: 12851857, 21031596). This variant is not present in population databases (gnomAD no frequency). This variant has not been reported in the literature in individuals affected with PEX26-related conditions. For these reasons, this variant has been classified as Pathogenic.

Literature cited by the submitters: PubMed 12851857; PubMed 21031596.

NM_001127649.3(PEX26):c.757A>T (p.Lys253Ter)

Gene: PEX26 (peroxisomal biogenesis factor 26; plus strand). Cytogenetic location: 22q11.21.
Variant type: single nucleotide variant.
Coding change: c.757A>T on transcript NM_001127649.3 (MANE Select); coding-DNA position 757, A replaced by T.
Protein change: p.Lys253Ter; replaces lysine 253 with a stop codon.
Molecular consequence: nonsense. On other transcripts: intron variant (1).
Genome position (GRCh38, 1-based): chr22:18,085,201, A>T. VCF-style: chr22-18085201-A-T. GRCh37 (hg19) VCF-style: chr22-18567967-A-T.
Other names: c.757A>T, p.Lys253Ter (NM_017929.6); c.667+1469A>T (NM_001199319.2); short protein forms K253*.
Identifiers: ClinVar variation 2118941 (VCV002118941.4), dbSNP rs2517673461, ClinGen allele CA410268642.
Genomic context (GRCh38, chr22:18,085,201, plus strand): 5'-CCGATGTTGGTTCGCCAGCTTTGGGACTCTGCGGTGAGCCACTTCTTTTCTCTGCCCTTC[A>T]AAAAGAGTCTCCTGGCTGCCTTGATCCTCTGTCTCCTGGTGGTGAGATTTGATCCAGGTA-3'